The following is an entry in ClinVar:

NM_000321.3(RB1):c.265-9551T>A

Gene: RB1 (RB transcriptional corepressor 1; plus strand). Cytogenetic location: 13q14.2.
Variant type: single nucleotide variant.
Coding change: c.265-9551T>A on transcript NM_000321.3 (MANE Select); 9551 bases into the intron before coding-DNA position 265, T replaced by A.
Molecular consequence: intron variant. On other transcripts: nonsense (1).
Genome position (GRCh38, 1-based): chr13:48,333,048, T>A. VCF-style: chr13-48333048-T-A. GRCh37 (hg19) VCF-style: chr13-48907184-T-A.
Other names: c.296T>A, p.Leu99Ter (NM_001407167.1); c.265-9551T>A (NM_001407165.1, NM_001407166.1); short protein forms L99*.
Identifiers: ClinVar variation 2570865 (VCV002570865.27), dbSNP rs138987152, ClinGen allele CA249845138.

ClinVar aggregate classification (germline): Benign (1 of 4 stars; one submission).

Allele frequency attached by ClinVar (database versions not stated): gnomAD exomes 0.00067; gnomAD 0.00556; TOPMed 0.00627; 1000 Genomes Project 0.00699; 1000 Genomes Project 30x 0.00843.
gnomAD v4.1: 1,026 of 398,406 alleles (0.26%); highest among the groups gnomAD compares: African/African-American, 1.9%; 16 homozygotes.

Submission:

CeGaT Center for Human Genetics Tuebingen
Classification: Benign. Last evaluated: 2023-04-01. Review status: criteria provided, single submitter. Criteria: CeGaT Center For Human Genetics Tuebingen Variant Classification Criteria Version 2. Collection method: clinical testing. Allele origin: germline. Affected: yes. Observed: 1 variant allele.
Comment: RB1: BS1, BS2